The following is an entry in ClinVar:

ClinVar aggregate classification (germline): Uncertain significance (1 of 4 stars; one submission).

Conditions:
Inclusion body myopathy with early-onset Paget disease with or without frontotemporal dementia 2 (IBMPFD2). Also called: MULTISYSTEM PROTEINOPATHY 2. Identifiers: MedGen C3809468, MONDO:0014178, OMIM 615422.

gnomAD v4.1: 1 of 1,613,236 alleles (0.000062%); highest among the groups gnomAD compares: Non-Finnish European, 0.000085%; no homozygotes.

Submission:

Labcorp Genetics (formerly Invitae), Labcorp
Classification: Uncertain significance for Inclusion body myopathy with early-onset Paget disease with or without frontotemporal dementia 2. Last evaluated: 2024-03-15. Review status: criteria provided, single submitter. Criteria: Invitae Variant Classification Sherloc (09022015). Collection method: clinical testing. Allele origin: germline.
Comment: This sequence change replaces threonine, which is neutral and polar, with isoleucine, which is neutral and non-polar, at codon 176 of the HNRNPA2B1 protein (p.Thr176Ile). This variant is not present in population databases (gnomAD no frequency). This variant has not been reported in the literature in individuals affected with HNRNPA2B1-related conditions. Advanced modeling of protein sequence and biophysical properties (such as structural, functional, and spatial information, amino acid conservation, physicochemical variation, residue mobility, and thermodynamic stability) performed at Invitae indicates that this missense variant is not expected to disrupt HNRNPA2B1 protein function with a negative predictive value of 80%. In summary, the available evidence is currently insufficient to determine the role of this variant in disease. Therefore, it has been classified as a Variant of Uncertain Significance.

NM_002137.4(HNRNPA2B1):c.491C>T (p.Thr164Ile)

Gene: HNRNPA2B1 (heterogeneous nuclear ribonucleoprotein A2/B1; minus strand). Cytogenetic location: 7p15.2.
Variant type: single nucleotide variant.
Coding change: c.491C>T on transcript NM_002137.4 (MANE Select); coding-DNA position 491, C replaced by T.
Protein change: p.Thr164Ile; replaces threonine 164 with isoleucine.
Molecular consequence: missense variant.
Genome position (GRCh38, 1-based): chr7:26,196,643, G>A on the plus strand (C>T on the coding strand, the complement: HNRNPA2B1 is on the minus strand). VCF-style: chr7-26196643-G-A. GRCh37 (hg19) VCF-style: chr7-26236263-G-A.
Other names: c.527C>T, p.Thr176Ile (NM_031243.4); short protein forms T164I, T176I.
Identifiers: ClinVar variation 3683361 (VCV003683361.2).